The following is an entry in ClinVar:

ClinVar aggregate classification (germline): Uncertain significance (1 of 4 stars; one submission).

Conditions:
Baller-Gerold syndrome (BGS). Also called: CRANIOSYNOSTOSIS WITH RADIAL DEFECTS. Identifiers: Orphanet 1225, MedGen C0265308, MONDO:0009039, OMIM 218600.

gnomAD v4.1: 3 of 1,612,264 alleles (0.00019%); highest among the groups gnomAD compares: Admixed American, 0.005%; no homozygotes.

Submission:

Labcorp Genetics (formerly Invitae), Labcorp
Classification: Uncertain significance for Baller-Gerold syndrome. Last evaluated: 2025-06-02. Review status: criteria provided, single submitter. Criteria: Invitae Variant Classification Sherloc (09022015). Collection method: clinical testing. Allele origin: germline.
Comment: This sequence change replaces proline, which is neutral and non-polar, with alanine, which is neutral and non-polar, at codon 931 of the RECQL4 protein (p.Pro931Ala). This variant is not present in population databases (gnomAD no frequency). This variant has not been reported in the literature in individuals affected with RECQL4-related conditions. ClinVar contains an entry for this variant (Variation ID: 662591). Invitae Evidence Modeling of protein sequence and biophysical properties (such as structural, functional, and spatial information, amino acid conservation, physicochemical variation, residue mobility, and thermodynamic stability) indicates that this missense variant is not expected to disrupt RECQL4 protein function with a negative predictive value of 80%. In summary, the available evidence is currently insufficient to determine the role of this variant in disease. Therefore, it has been classified as a Variant of Uncertain Significance.

NM_004260.4(RECQL4):c.2791C>G (p.Pro931Ala)

Gene: RECQL4 (RecQ like helicase 4; minus strand). Cytogenetic location: 8q24.3.
Variant type: single nucleotide variant.
Coding change: c.2791C>G on transcript NM_004260.4 (MANE Select); coding-DNA position 2791, C replaced by G.
Protein change: p.Pro931Ala; replaces proline 931 with alanine.
Molecular consequence: missense variant.
Genome position (GRCh38, 1-based): chr8:144,512,736, G>C on the plus strand (C>G on the coding strand, the complement: RECQL4 is on the minus strand). VCF-style: chr8-144512736-G-C. GRCh37 (hg19) VCF-style: chr8-145738119-G-C.
Other names: short protein forms P931A.
Identifiers: ClinVar variation 662591 (VCV000662591.5), dbSNP rs768352855, ClinGen allele CA372674439.